The following is an entry in ClinVar:

ClinVar aggregate classification (germline): Uncertain significance (1 of 4 stars; one submission).

gnomAD v4.1: 2 of 1,614,228 alleles (0.00012%); highest among the groups gnomAD compares: Non-Finnish European, 0.00017%; no homozygotes.

Submission:

GeneDx
Classification: Uncertain significance. Last evaluated: 2024-01-29. Review status: criteria provided, single submitter. Criteria: GeneDx Variant Classification Process June 2021. Collection method: clinical testing. Allele origin: germline. Affected: yes.
Comment: Not observed at significant frequency in large population cohorts (gnomAD); In silico analysis supports that this missense variant does not alter protein structure/function; Has not been previously published as pathogenic or benign to our knowledge

NM_003235.5(TG):c.385G>C (p.Val129Leu)

Gene: TG (thyroglobulin; plus strand). Cytogenetic location: 8q24.22.
Variant type: single nucleotide variant.
Coding change: c.385G>C on transcript NM_003235.5 (MANE Select); coding-DNA position 385, G replaced by C.
Protein change: p.Val129Leu; replaces valine 129 with leucine.
Molecular consequence: missense variant.
Genome position (GRCh38, 1-based): chr8:132,871,458, G>C. VCF-style: chr8-132871458-G-C. GRCh37 (hg19) VCF-style: chr8-133883703-G-C.
Other names: short protein forms V129L.
Identifiers: ClinVar variation 3368404 (VCV003368404.1).